The following is an entry in ClinVar:

ClinVar aggregate classification (germline): Uncertain significance (1 of 4 stars; one submission).

Conditions:
Ellis-van Creveld syndrome (EVC). Also called: EVC2-Related Ellis-van Creveld Syndrome; EVC-Related Ellis-van Creveld Syndrome; Chondroectodermal dysplasia; MESOECTODERMAL DYSPLASIA. Identifiers: Orphanet 289, MedGen C0013903, MONDO:0009162, OMIM 225500.
Curry-Hall syndrome (WAD). Also called: WEYERS ACRODENTAL DYSOSTOSIS. Identifiers: Orphanet 952, MedGen C0457013, MONDO:0008673, OMIM 193530.

Allele frequency attached by ClinVar (database versions not stated): TOPMed 0.00001.

Submission:

Labcorp Genetics (formerly Invitae), Labcorp
Classification: Uncertain significance for Curry-Hall syndrome; Ellis-van Creveld syndrome. Last evaluated: 2022-07-23. Review status: criteria provided, single submitter. Criteria: Invitae Variant Classification Sherloc (09022015). Collection method: clinical testing. Allele origin: germline.
Comment: In summary, the available evidence is currently insufficient to determine the role of this variant in disease. Therefore, it has been classified as a Variant of Uncertain Significance. Algorithms developed to predict the effect of missense changes on protein structure and function output the following: SIFT: "Tolerated"; PolyPhen-2: "Benign"; Align-GVGD: "Class C0". The valine amino acid residue is found in multiple mammalian species, which suggests that this missense change does not adversely affect protein function. This variant has not been reported in the literature in individuals affected with EVC2-related conditions. This variant is not present in population databases (gnomAD no frequency). This sequence change replaces methionine, which is neutral and non-polar, with valine, which is neutral and non-polar, at codon 1133 of the EVC2 protein (p.Met1133Val).

NM_147127.5(EVC2):c.3397A>G (p.Met1133Val)

Gene: EVC2 (EvC ciliary complex subunit 2; minus strand). Cytogenetic location: 4p16.2.
Variant type: single nucleotide variant.
Coding change: c.3397A>G on transcript NM_147127.5 (MANE Select); coding-DNA position 3397, A replaced by G.
Protein change: p.Met1133Val; replaces methionine 1133 with valine.
Molecular consequence: missense variant.
Genome position (GRCh38, 1-based): chr4:5,568,604, T>C on the plus strand (A>G on the coding strand, the complement: EVC2 is on the minus strand). VCF-style: chr4-5568604-T-C. GRCh37 (hg19) VCF-style: chr4-5570331-T-C.
Other names: c.3157A>G, p.Met1053Val (NM_001166136.2); short protein forms M1053V, M1133V.
Identifiers: ClinVar variation 1713482 (VCV001713482.5), dbSNP rs1284197690, ClinGen allele CA356149828.